The following is an entry in ClinVar:

NM_001127217.3(SMAD9):c.1261-76C>T

Gene: SMAD9 (SMAD family member 9; minus strand). Cytogenetic location: 13q13.3.
Variant type: single nucleotide variant.
Coding change: c.1261-76C>T on transcript NM_001127217.3 (MANE Select); 76 bases into the intron before coding-DNA position 1261, C replaced by T.
Molecular consequence: intron variant.
Genome position (GRCh38, 1-based): chr13:36,848,895, G>A on the plus strand (C>T on the coding strand, the complement: SMAD9 is on the minus strand). VCF-style: chr13-36848895-G-A. GRCh37 (hg19) VCF-style: chr13-37423032-G-A.
Other names: c.1150-76C>T (NM_005905.6, NM_001378621.1).
Identifiers: ClinVar variation 675286 (VCV000675286.2), dbSNP rs4943431, ClinGen allele CA13884549.
Genomic context (GRCh38, chr13:36,848,895, plus strand): 5'-GGAGCTGAGTGATGGTGCCACACTTACACTCAGCCTCCAGAGCCCCAGGCAGAGCTCAGC[G>A]GGGCACAGAGCCCACACCCCAGCGTAGCTCCTGAGACCTGAGAGGGAGAGAACATGGCCT-3'

ClinVar aggregate classification (germline): Benign. Review status: criteria provided, multiple submitters, no conflicts (2 of 4 stars). 2 submissions from 2 submitters: Benign (2). Last evaluated 2018-06-14.

Allele frequency attached by ClinVar (database versions not stated): gnomAD 0.27576 and 0.27608; TOPMed 0.27656; 1000 Genomes Project 30x 0.30528; 1000 Genomes Project 0.30751.
gnomAD v4.1: 365,011 of 1,482,780 alleles (25%); highest among the groups gnomAD compares: African/African-American, 37%; 46,351 homozygotes.

Submissions (2):

GeneDx
Classification: Benign. Last evaluated: 2018-06-14. Review status: criteria provided, single submitter. Criteria: GeneDx Variant Classification (06012015). Collection method: clinical testing. Allele origin: germline. Affected: yes.
Comment: This variant is considered likely benign or benign based on one or more of the following criteria: it is a conservative change, it occurs at a poorly conserved position in the protein, it is predicted to be benign by multiple in silico algorithms, and/or has population frequency not consistent with disease.

Breakthrough Genomics
Classification: Benign. Review status: criteria provided, single submitter. Criteria: ACMG Guidelines, 2015. Collection method: not provided. Allele origin: germline. Inheritance: Autosomal dominant inheritance. Affected: yes.